The following is an entry in ClinVar:

ClinVar aggregate classification (germline): Uncertain significance (1 of 4 stars; one submission).

Conditions:
Senior-Loken syndrome 7 (SLSN7). Identifiers: Orphanet 3156, MedGen C3150877, MONDO:0013326, OMIM 613615.
Bardet-Biedl syndrome 16 (BBS16). Identifiers: Orphanet 110, MedGen C3889474, MONDO:0014444, OMIM 615993.

gnomAD v4.1: 7 of 1,614,010 alleles (0.00043%); highest among the groups gnomAD compares: South Asian, 0.0033%; 1 homozygote.

Submission:

Labcorp Genetics (formerly Invitae), Labcorp
Classification: Uncertain significance for Bardet-Biedl syndrome 16; Senior-Loken syndrome 7. Last evaluated: 2022-06-18. Review status: criteria provided, single submitter. Criteria: Invitae Variant Classification Sherloc (09022015). Collection method: clinical testing. Allele origin: germline.
Comment: This variant is not present in population databases (gnomAD no frequency). This sequence change replaces serine, which is neutral and polar, with cysteine, which is neutral and slightly polar, at codon 4 of the SDCCAG8 protein (p.Ser4Cys). This variant has not been reported in the literature in individuals affected with SDCCAG8-related conditions. Algorithms developed to predict the effect of missense changes on protein structure and function are either unavailable or do not agree on the potential impact of this missense change (SIFT: "Deleterious"; PolyPhen-2: "Probably Damaging"; Align-GVGD: "Class C0"). In summary, the available evidence is currently insufficient to determine the role of this variant in disease. Therefore, it has been classified as a Variant of Uncertain Significance.

NM_006642.5(SDCCAG8):c.11C>G (p.Ser4Cys)

Gene: SDCCAG8 (SHH signaling and ciliogenesis regulator SDCCAG8; plus strand). Cytogenetic location: 1q43.
Variant type: single nucleotide variant.
Coding change: c.11C>G on transcript NM_006642.5 (MANE Select); coding-DNA position 11, C replaced by G.
Protein change: p.Ser4Cys; replaces serine 4 with cysteine.
Molecular consequence: missense variant. On other transcripts: 5 prime UTR variant (4).
Genome position (GRCh38, 1-based): chr1:243,256,184, C>G. VCF-style: chr1-243256184-C-G. GRCh37 (hg19) VCF-style: chr1-243419486-C-G.
Other names: c.-1102C>G (NM_001350246.2); c.-990C>G (NM_001350247.2); c.11C>G, p.Ser4Cys (NM_001350248.2); c.-297C>G (NM_001350249.2); c.-1363C>G (NM_001350251.2); short protein forms S4C.
Identifiers: ClinVar variation 2176103 (VCV002176103.4), dbSNP rs756729603, ClinGen allele CA345478070.
Genomic context (GRCh38, chr1:243,256,184, plus strand): 5'-AGCTGGACATTTCCCCACGTAACTCCCAGCTCTGGGCCTAGAGTGCGTGCATGGCGAAGT[C>G]CCCGGAGAACTCTACCCTGGAGGAGATTCTGGGGCAGTATCAACGGAGTCTCCGGGGTGA-3'
Protein context (NP_006633.1, residues 1-14): MAK[Ser4Cys]PENSTLEEIL